The following is an entry in ClinVar:

NM_052867.4(NALCN):c.1127G>T (p.Cys376Phe)

Gene: NALCN (sodium leak channel, non-selective; minus strand). Cytogenetic location: 13q33.1.
Variant type: single nucleotide variant.
Coding change: c.1127G>T on transcript NM_052867.4 (MANE Select); coding-DNA position 1127, G replaced by T.
Protein change: p.Cys376Phe; replaces cysteine 376 with phenylalanine.
Molecular consequence: missense variant. On other transcripts: intron variant (2).
Genome position (GRCh38, 1-based): chr13:101,283,940, C>A on the plus strand (G>T on the coding strand, the complement: NALCN is on the minus strand). VCF-style: chr13-101283940-C-A. GRCh37 (hg19) VCF-style: chr13-101936291-C-A.
Other names: c.1127G>T, p.Cys376Phe (NM_001350748.2, NM_001350749.2); c.1047+8050G>T (NM_001350751.2, NM_001350750.2); c.1127G>T (NM_052867.2); short protein forms C376F.
Identifiers: ClinVar variation 2803014 (VCV002803014.4), dbSNP rs549001898, ClinGen allele CA7036307.

ClinVar aggregate classification (germline): Uncertain significance. Review status: criteria provided, multiple submitters, no conflicts (2 of 4 stars). 2 submissions from 2 submitters: Uncertain significance (2). Last evaluated 2023-10-05.

Conditions:
Inborn genetic diseases. Identifiers: MedGen C0950123, MeSH D030342.

Allele frequency attached by ClinVar (database versions not stated): ExAC 0.00001; gnomAD 0.00001; gnomAD exomes 0.00001; 1000 Genomes Project 30x 0.00016; 1000 Genomes Project 0.00020.
gnomAD v4.1: 5 of 1,611,182 alleles (0.00031%); highest among the groups gnomAD compares: East Asian, 0.0089%; no homozygotes.

Submissions (2):

Ambry Genetics
Classification: Uncertain significance for Inborn genetic diseases. Last evaluated: 2023-10-05. Review status: criteria provided, single submitter. Criteria: Ambry Variant Classification Scheme 2023. Collection method: clinical testing. Allele origin: germline.

Labcorp Genetics (formerly Invitae), Labcorp
Classification: Uncertain significance. Last evaluated: 2023-10-04. Review status: criteria provided, single submitter. Criteria: Invitae Variant Classification Sherloc (09022015). Collection method: clinical testing. Allele origin: germline.
Comment: This sequence change replaces cysteine, which is neutral and slightly polar, with phenylalanine, which is neutral and non-polar, at codon 376 of the NALCN protein (p.Cys376Phe). This variant is present in population databases (rs549001898, gnomAD 0.02%). This variant has not been reported in the literature in individuals affected with NALCN-related conditions. Advanced modeling of protein sequence and biophysical properties (such as structural, functional, and spatial information, amino acid conservation, physicochemical variation, residue mobility, and thermodynamic stability) performed at Invitae indicates that this missense variant is not expected to disrupt NALCN protein function. In summary, the available evidence is currently insufficient to determine the role of this variant in disease. Therefore, it has been classified as a Variant of Uncertain Significance.